The following is an entry in ClinVar:

NM_001375524.1(TRRAP):c.*3G>A

Gene: TRRAP (transformation/transcription domain associated protein; plus strand). Cytogenetic location: 7q22.1.
Variant type: single nucleotide variant.
Coding change: c.*3G>A on transcript NM_001375524.1 (MANE Select); 3 bases downstream of the stop codon, G replaced by A.
Molecular consequence: 3 prime UTR variant.
Genome position (GRCh38, 1-based): chr7:99,012,358, G>A. VCF-style: chr7-99012358-G-A. GRCh37 (hg19) VCF-style: chr7-98609981-G-A.
Other names: c.*3G>A (NM_001244580.2, NM_003496.4).
Identifiers: ClinVar variation 4689559 (VCV004689559.1).
Genomic context (GRCh38, chr7:99,012,358, plus strand): 5'-GGCAAACAGCCTGGACAATCTGTGCCGCATGGACCCCGCCTGGCACCCCTGGCTGTGACT[G>A]TGGCCGCCACGGCCACCCGGAATGTGAAGGGCGCTCCGGGCTCTGAGCCCGCAGCTTTTA-3'

ClinVar aggregate classification (germline): Uncertain significance (1 of 4 stars; one submission).

Submission:

Women's Health and Genetics/Laboratory Corporation of America, LabCorp
Classification: Uncertain significance. Last evaluated: 2026-01-07. Review status: criteria provided, single submitter. Criteria: LabCorp Variant Classification Summary - May 2015. Collection method: clinical testing. Allele origin: germline.
Comment: Variant summary: TRRAP c.*3G>A is located in the untranslated mRNA region downstream of the termination codon. The variant was absent in 217660 control chromosomes. The available data on variant occurrences in the general population are insufficient to allow any conclusion about variant significance. To our knowledge, no occurrence of c.*3G>A in individuals affected with TRRAP-related conditions and no experimental evidence demonstrating its impact on protein function have been reported. No submitters have cited clinical-significance assessments for this variant to ClinVar. Based on the evidence outlined above, the variant was classified as uncertain significance.